The following is an entry in ClinVar:

NM_001323289.2(CDKL5):c.194G>C (p.Arg65Pro)

Gene: CDKL5 (cyclin dependent kinase like 5; plus strand). Cytogenetic location: Xp22.13.
Variant type: single nucleotide variant.
Coding change: c.194G>C on transcript NM_001323289.2 (MANE Select); coding-DNA position 194, G replaced by C.
Protein change: p.Arg65Pro; replaces arginine 65 with proline.
Molecular consequence: missense variant.
Genome position (GRCh38, 1-based): chrX:18,575,402, G>C. VCF-style: chrX-18575402-G-C. GRCh37 (hg19) VCF-style: chrX-18593522-G-C.
Other names: c.194G>C, p.Arg65Pro (NM_001037343.2, NM_003159.3); short protein forms R65P.
Identifiers: ClinVar variation 1072615 (VCV001072615.12), dbSNP rs267608436, ClinGen allele CA412348630.

ClinVar aggregate classification (germline): Pathogenic (1 of 4 stars; one submission).

Conditions:
Angelman syndrome-like. Identifiers: MedGen CN128785.
Developmental and epileptic encephalopathy, 2 (DEE2). Also called: INFANTILE SPASM SYNDROME, X-LINKED 2; CDKL5 deficiency disorder. Identifiers: Orphanet 1934, Orphanet 3451, Orphanet 505652, MedGen C4750718, MONDO:0010396, OMIM 300672.

Submission:

Labcorp Genetics (formerly Invitae), Labcorp
Classification: Pathogenic for Developmental and epileptic encephalopathy, 2; Angelman syndrome-like. Last evaluated: 2022-07-11. Review status: criteria provided, single submitter. Criteria: Invitae Variant Classification Sherloc (09022015). Collection method: clinical testing. Allele origin: germline.
Comment: ClinVar contains an entry for this variant (Variation ID: 1072615). For these reasons, this variant has been classified as Pathogenic. Advanced modeling of protein sequence and biophysical properties (such as structural, functional, and spatial information, amino acid conservation, physicochemical variation, residue mobility, and thermodynamic stability) performed at Invitae indicates that this missense variant is expected to disrupt CDKL5 protein function. This missense change has been observed in individual(s) with CDKL5-related conditions (PMID: 31313283; Invitae). In at least one individual the variant was observed to be de novo. This variant is not present in population databases (gnomAD no frequency). This sequence change replaces arginine, which is basic and polar, with proline, which is neutral and non-polar, at codon 65 of the CDKL5 protein (p.Arg65Pro).

Literature cited by the submitters: PubMed 31313283.